The following is an entry in ClinVar:

NM_020461.4(TUBGCP6):c.4626+4G>A

Gene: TUBGCP6 (tubulin gamma complex component 6; minus strand). Cytogenetic location: 22q13.33.
Variant type: single nucleotide variant.
Coding change: c.4626+4G>A on transcript NM_020461.4 (MANE Select); 4 bases into the intron after coding-DNA position 4626, G replaced by A.
Molecular consequence: intron variant.
Genome position (GRCh38, 1-based): chr22:50,219,064, C>T on the plus strand (G>A on the coding strand, the complement: TUBGCP6 is on the minus strand). VCF-style: chr22-50219064-C-T. GRCh37 (hg19) VCF-style: chr22-50657493-C-T.
Identifiers: ClinVar variation 861537 (VCV000861537.10), dbSNP rs771572928, ClinGen allele CA10307424.

ClinVar aggregate classification (germline): Conflicting classifications of pathogenicity. Review status: criteria provided, conflicting classifications (1 of 4 stars). 4 submissions from 4 submitters: Uncertain significance (3); Likely benign (1). Last evaluated 2026-05-27.

Conditions:
Microcephaly and chorioretinopathy 1. Also called: Microcephaly and chorioretinopathy, autosomal recessive, 1. Identifiers: MedGen C3278481, MONDO:0009624, OMIM 251270.

Allele frequency attached by ClinVar (database versions not stated): ExAC 0.00001; gnomAD exomes 0.00001; gnomAD 0.00003 and 0.00004; TOPMed 0.00004.
gnomAD v4.1: 46 of 1,611,776 alleles (0.0029%); highest among the groups gnomAD compares: East Asian, 0.013%; no homozygotes.

Submissions (4):

Women's Health and Genetics/Laboratory Corporation of America, LabCorp
Classification: Uncertain significance. Last evaluated: 2026-05-27. Review status: criteria provided, single submitter. Criteria: LabCorp Variant Classification Summary - May 2015. Collection method: clinical testing. Allele origin: germline.
Comment: Variant summary: TUBGCP6 c.4626+4G>A alters a nucleotide located close to a canonical splice site and therefore could affect mRNA splicing, leading to a significantly altered protein sequence. Consensus agreement among computation tools predict no significant impact on normal splicing. However, these predictions have yet to be confirmed by functional studies. The variant allele was found at a frequency of 1.2e-05 in 248472 control chromosomes. The available data on variant occurrences in the general population are insufficient to allow any conclusion about variant significance. To our knowledge, no occurrence of c.4626+4G>A in individuals affected with TUBGCP6-related conditions and no experimental evidence demonstrating its impact on protein function have been reported. ClinVar contains an entry for this variant (Variation ID: 861537). Based on the evidence outlined above, the variant was classified as uncertain significance.

Labcorp Genetics (formerly Invitae), Labcorp
Classification: Uncertain significance. Last evaluated: 2025-11-15. Review status: criteria provided, single submitter. Criteria: Invitae Variant Classification Sherloc (09022015). Collection method: clinical testing. Allele origin: germline.
Comment: This sequence change falls in intron 20 of the TUBGCP6 gene. It does not directly change the encoded amino acid sequence of the TUBGCP6 protein. It affects a nucleotide within the consensus splice site. This variant is present in population databases (rs771572928, gnomAD 0.02%). This variant has not been reported in the literature in individuals affected with TUBGCP6-related conditions. ClinVar contains an entry for this variant (Variation ID: 861537). Variants that disrupt the consensus splice site are a relatively common cause of aberrant splicing (PMID: 17576681, 9536098). Algorithms developed to predict the effect of sequence changes on RNA splicing suggest that this variant is not likely to affect RNA splicing. In summary, the available evidence is currently insufficient to determine the role of this variant in disease. Therefore, it has been classified as a Variant of Uncertain Significance.

Blueprint Genetics
Classification: Likely benign. Last evaluated: 2024-11-06. Review status: criteria provided, single submitter. Criteria: ACMG Guidelines, 2015. Collection method: clinical testing. Allele origin: germline.

Victorian Clinical Genetics Services, Murdoch Childrens Research Institute
Classification: Uncertain significance for Microcephaly and chorioretinopathy 1. Last evaluated: 2021-05-06. Review status: criteria provided, single submitter. Criteria: ACMG Guidelines, 2015. Collection method: clinical testing. Allele origin: germline. Inheritance: Autosomal recessive inheritance.
Comment: Based on the classification scheme VCGS_Germline_v1.3.4, this variant is classified as VUS-3C. Following criteria are met: 0102 - Loss of function is a known mechanism of disease in this gene and is associated with Microcephaly and chorioretinopathy 1 (MIM#251270). (I) 0106 - This gene is associated with autosomal recessive disease. (I) 0212 - Non-canonical splice site variant without proven consequence on splicing (no functional evidence available). (SP) 0251 - This variant is heterozygous. (I) 0304 - Variant is present in gnomAD (v3) <0.01 for a recessive condition (6 heterozygotes, 0 homozygotes). (SP) 0506 - Abnormal splicing is not predicted and nucleotide is poorly conserved. (SB) 0705 - No comparable non-canonical splice site variants have previous evidence for pathogenicity. (I) 0809 - Previous evidence of pathogenicity for this variant is inconclusive. This variant has been reported as VUS in one individual (ClinVar). (I) 0905 - No published segregation evidence has been identified for this variant. (I) 1007 - No published functional evidence has been identified for this variant. (I) 1208 - Inheritance information for this variant is not currently available in this individual. (I) Legend: (SP) - Supporting pathogenic, (I) - Information, (SB) - Supporting benign

Literature cited by the submitters: PubMed 17576681 (cited by Labcorp Genetics (formerly Invitae), Labcorp); PubMed 9536098 (cited by Labcorp Genetics (formerly Invitae), Labcorp).